The following is an entry in ClinVar:

ClinVar aggregate classification (germline): Likely pathogenic (1 of 4 stars; one submission).

Conditions:
Pendred syndrome (PDS). Also called: DEAFNESS WITH GOITER; GOITER-DEAFNESS SYNDROME; HYPOTHYROIDISM, CONGENITAL, DUE TO DYSHORMONOGENESIS, 2B; Pendred Syndrome (PDS); THYROID DYSHORMONOGENESIS 2B; THYROID HORMONOGENESIS, GENETIC DEFECT IN, 2B. Identifiers: Orphanet 705, MedGen C0271829, MONDO:0010134, OMIM 274600.

gnomAD v4.1: 3 of 1,606,924 alleles (0.00019%); highest among the groups gnomAD compares: Non-Finnish European, 0.00026%; no homozygotes.

Submission:

Women's Health and Genetics/Laboratory Corporation of America, LabCorp
Classification: Likely pathogenic for Pendred syndrome. Last evaluated: 2026-02-18. Review status: criteria provided, single submitter. Criteria: LabCorp Variant Classification Summary - May 2015. Collection method: clinical testing. Allele origin: germline.
Comment: Variant summary: SLC26A4 c.1165G>C (p.Gly389Arg) results in a non-conservative amino acid change in the encoded protein sequence. Algorithms developed to predict the effect of missense changes on protein structure and function all suggest that this variant is likely to be disruptive. The variant was absent in 251064 control chromosomes. c.1165G>C has been observed in heterozygous state in an individual affected with Pendred Syndrome and the second allele variant has not been detected in this individual (Ladsous_2014). These report(s) do not provide unequivocal conclusions about association of the variant with Pendred Syndrome. At least one publication reports experimental evidence evaluating an impact on protein function (Takahashi_2024). The most pronounced variant effect results in 2.8% of normal activity. The following publications have been ascertained in the context of this evaluation (PMID: 24224479, 38474007). No submitters have cited clinical-significance assessments for this variant to ClinVar. Based on the evidence outlined above, the variant was classified as likely pathogenic.

Literature cited by the submitters: PubMed 24224479; PubMed 38474007.

NM_000441.2(SLC26A4):c.1165G>C (p.Gly389Arg)

Gene: SLC26A4 (solute carrier family 26 member 4; plus strand). Cytogenetic location: 7q22.3.
Variant type: single nucleotide variant.
Coding change: c.1165G>C on transcript NM_000441.2 (MANE Select); coding-DNA position 1165, G replaced by C.
Protein change: p.Gly389Arg; replaces glycine 389 with arginine.
Molecular consequence: missense variant.
Genome position (GRCh38, 1-based): chr7:107,690,139, G>C. VCF-style: chr7-107690139-G-C. GRCh37 (hg19) VCF-style: chr7-107330584-G-C.
Other names: short protein forms G389R.
Identifiers: ClinVar variation 4848249 (VCV004848249.1).